The following is an entry in ClinVar:

NM_003737.4(DCHS1):c.2044C>T (p.Pro682Ser)

Gene: DCHS1 (dachsous cadherin-related 1; minus strand). Cytogenetic location: 11p15.4.
Variant type: single nucleotide variant.
Coding change: c.2044C>T on transcript NM_003737.4 (MANE Select); coding-DNA position 2044, C replaced by T.
Protein change: p.Pro682Ser; replaces proline 682 with serine.
Molecular consequence: missense variant.
Genome position (GRCh38, 1-based): chr11:6,633,963, G>A on the plus strand (C>T on the coding strand, the complement: DCHS1 is on the minus strand). VCF-style: chr11-6633963-G-A. GRCh37 (hg19) VCF-style: chr11-6655194-G-A.
Other names: short protein forms P682S.
Identifiers: ClinVar variation 1918891 (VCV001918891.5), dbSNP rs267603131, ClinGen allele CA217299619.

ClinVar aggregate classification (germline): Uncertain significance (1 of 4 stars; one submission).

gnomAD v4.1: 1 of 1,614,012 alleles (0.000062%); highest among the groups gnomAD compares: Non-Finnish European, 0.000085%; no homozygotes.

Submission:

Labcorp Genetics (formerly Invitae), Labcorp
Classification: Uncertain significance. Last evaluated: 2025-02-13. Review status: criteria provided, single submitter. Criteria: Invitae Variant Classification Sherloc (09022015). Collection method: clinical testing. Allele origin: germline.
Comment: This sequence change replaces proline, which is neutral and non-polar, with serine, which is neutral and polar, at codon 682 of the DCHS1 protein (p.Pro682Ser). This variant is not present in population databases (gnomAD no frequency). This variant has not been reported in the literature in individuals affected with DCHS1-related conditions. ClinVar contains an entry for this variant (Variation ID: 1918891). Invitae Evidence Modeling of protein sequence and biophysical properties (such as structural, functional, and spatial information, amino acid conservation, physicochemical variation, residue mobility, and thermodynamic stability) indicates that this missense variant is not expected to disrupt DCHS1 protein function with a negative predictive value of 95%. In summary, the available evidence is currently insufficient to determine the role of this variant in disease. Therefore, it has been classified as a Variant of Uncertain Significance.